The following is an entry in ClinVar:

NM_003126.4(SPTA1):c.1533A>G (p.Ala511=)

Gene: SPTA1 (spectrin alpha, erythrocytic 1; minus strand). Cytogenetic location: 1q23.1.
Variant type: single nucleotide variant.
Coding change: c.1533A>G on transcript NM_003126.4 (MANE Select); coding-DNA position 1533, A replaced by G.
Protein change: p.Ala511=; no amino-acid change (alanine 511 retained).
Molecular consequence: synonymous variant.
Genome position (GRCh38, 1-based): chr1:158,671,409, T>C on the plus strand (A>G on the coding strand, the complement: SPTA1 is on the minus strand). VCF-style: chr1-158671409-T-C. GRCh37 (hg19) VCF-style: chr1-158641199-T-C.
Other names: p.Ala511=.
Identifiers: ClinVar variation 293038 (VCV000293038.29), dbSNP rs34446973, ClinGen allele CA1183727.

ClinVar aggregate classification (germline): Conflicting classifications of pathogenicity. Review status: criteria provided, conflicting classifications (1 of 4 stars). 7 submissions from 5 submitters: Uncertain significance (2); Benign (3); Likely benign (1). 1 of the submissions does not count toward it. Last evaluated 2026-01-06.

Conditions:
Hereditary spherocytosis type 3. Also called: Spherocytosis type 3; SPTA1-Related Spherocytosis. Identifiers: Orphanet 822, MedGen C2678338, MONDO:0010053, OMIM 270970.
Pyropoikilocytosis, hereditary. Also called: Pyropoikilocytosis. Identifiers: MedGen C0520739, MONDO:0009948, OMIM 266140, HP:0004839. Disease mechanism: loss of function.
Elliptocytosis 2 (EL2). Also called: ELLIPTOCYTOSIS, RHESUS-UNLINKED TYPE. Identifiers: Orphanet 288, MedGen C1851741, MONDO:0007533, OMIM 130600.
SPTA1-related disorder. Also called: SPTA1-related disorders; SPTA1-related condition.

Allele frequency attached by ClinVar (database versions not stated): gnomAD exomes 0.00062 and 0.00170; ExAC 0.00222; ESP Exome Variant Server 0.00628; gnomAD 0.00666 and 0.00709; 1000 Genomes Project 0.00739; TOPMed 0.00739; 1000 Genomes Project 30x 0.00765.
gnomAD v4.1: 1,951 of 1,613,324 alleles (0.12%); highest among the groups gnomAD compares: African/African-American, 2.3%; 23 homozygotes.

Submissions (7):

Labcorp Genetics (formerly Invitae), Labcorp
Classification: Benign. Last evaluated: 2026-01-06. Review status: criteria provided, single submitter. Criteria: Invitae Variant Classification Sherloc (09022015). Collection method: clinical testing. Allele origin: germline.

Mayo Clinic Laboratories, Mayo Clinic
Classification: Likely benign. Last evaluated: 2025-04-08. Review status: criteria provided, single submitter. Criteria: ACMG Guidelines, 2015. Collection method: clinical testing. Allele origin: germline. Observed: 18 variant alleles.

ARUP Laboratories, Molecular Genetics and Genomics, ARUP Laboratories
Classification: Benign. Last evaluated: 2024-07-31. Review status: criteria provided, single submitter. Criteria: ARUP Molecular Germline Variant Investigation Process 2024. Collection method: clinical testing. Allele origin: germline.

Illumina Laboratory Services, Illumina
Classification: Benign for Elliptocytosis 2. Last evaluated: 2018-01-12. Review status: criteria provided, single submitter. Criteria: ICSL Variant Classification Criteria 13 December 2019. Collection method: clinical testing. Allele origin: germline.
Comment: This variant was observed in the ICSL laboratory as part of a predisposition screen in an ostensibly healthy population. It had not been previously curated by ICSL or reported in the Human Gene Mutation Database (HGMD: prior to June 1st, 2018), and was therefore a candidate for classification through an automated scoring system. Utilizing variant allele frequency, disease prevalence and penetrance estimates, and inheritance mode, an automated score was calculated to assess if this variant is too frequent to cause the disease. Based on the score and internal cut-off values, a variant classified as benign is not then subjected to further curation. The score for this variant resulted in a classification of benign for this disease.

Illumina Laboratory Services, Illumina
Classification: Uncertain significance for Pyropoikilocytosis, hereditary. Last evaluated: 2018-01-12. Review status: criteria provided, single submitter. Criteria: ICSL Variant Classification Criteria 13 December 2019. Collection method: clinical testing. Allele origin: germline.

Illumina Laboratory Services, Illumina
Classification: Uncertain significance for Hereditary spherocytosis type 3. Last evaluated: 2018-01-12. Review status: criteria provided, single submitter. Criteria: ICSL Variant Classification Criteria 13 December 2019. Collection method: clinical testing. Allele origin: germline.

PreventionGenetics, part of Exact Sciences
Classification: Benign for SPTA1-related condition. Last evaluated: 2019-03-29. Review status: no assertion criteria provided. Collection method: clinical testing. Allele origin: germline. Not counted in ClinVar's aggregate classification.
Comment: This variant is classified as benign based on ACMG/AMP sequence variant interpretation guidelines (Richards et al. 2015 PMID: 25741868, with internal and published modifications).